The following is an entry in ClinVar:

NM_001999.4(FBN2):c.3220A>G (p.Ile1074Val)

Gene: FBN2 (fibrillin 2; minus strand). Cytogenetic location: 5q23.3.
Variant type: single nucleotide variant.
Coding change: c.3220A>G on transcript NM_001999.4 (MANE Select); coding-DNA position 3220, A replaced by G.
Protein change: p.Ile1074Val; replaces isoleucine 1074 with valine.
Molecular consequence: missense variant.
Genome position (GRCh38, 1-based): chr5:128,344,508, T>C on the plus strand (A>G on the coding strand, the complement: FBN2 is on the minus strand). VCF-style: chr5-128344508-T-C. GRCh37 (hg19) VCF-style: chr5-127680200-T-C.
Other names: short protein forms I1074V.
Identifiers: ClinVar variation 458754 (VCV000458754.9), dbSNP rs1218249269, ClinGen allele CA360762350.

ClinVar aggregate classification (germline): Uncertain significance (1 of 4 stars; one submission).

Conditions:
Congenital contractural arachnodactyly (CCA). Also called: Beals-Hecht syndrome; BEALS SYNDROME; Arthrogryposis, distal, type 9. Identifiers: Orphanet 115, MedGen C0220668, MONDO:0007363, OMIM 121050.

Allele frequency attached by ClinVar (database versions not stated): gnomAD exomes below 0.00001.
gnomAD v4.1: 1 of 1,613,732 alleles (0.000062%); highest among the groups gnomAD compares: Non-Finnish European, 0.000085%; no homozygotes.

Submission:

Labcorp Genetics (formerly Invitae), Labcorp
Classification: Uncertain significance for Congenital contractural arachnodactyly. Last evaluated: 2017-05-31. Review status: criteria provided, single submitter. Criteria: Invitae Variant Classification Sherloc (09022015). Collection method: clinical testing. Allele origin: germline.
Comment: In summary, this variant has uncertain impact on FBN2 function. The available evidence is currently insufficient to determine its role in disease. Therefore, it has been classified as a Variant of Uncertain Significance. Algorithms developed to predict the effect of missense changes on protein structure and function do not agree on the potential impact of this missense change (SIFT: "Deleterious"; PolyPhen-2: "Benign"; Align-GVGD: "Class C0"). This variant has not been reported in the literature in individuals with a FBN2-related disease. This variant is not present in population databases (ExAC no frequency). This sequence change replaces isoleucine with valine at codon 1074 of the FBN2 protein (p.Ile1074Val). The isoleucine residue is moderately conserved and there is a small physicochemical difference between isoleucine and valine.